The following is an entry in ClinVar:

NM_000535.7(PMS2):c.1500C>T (p.Ser500=)

Gene: PMS2 (PMS1 homolog 2, mismatch repair system component; minus strand). Cytogenetic location: 7p22.1.
Variant type: single nucleotide variant.
Coding change: c.1500C>T on transcript NM_000535.7 (MANE Select); coding-DNA position 1500, C replaced by T.
Protein change: p.Ser500=; no amino-acid change (serine 500 retained).
Molecular consequence: synonymous variant. On other transcripts: non-coding transcript variant (1).
Genome position (GRCh38, 1-based): chr7:5,987,265, G>A on the plus strand (C>T on the coding strand, the complement: PMS2 is on the minus strand). VCF-style: chr7-5987265-G-A. GRCh37 (hg19) VCF-style: chr7-6026896-G-A.
Other names: c.1095C>T, p.Ser365= (NM_001322003.2, NM_001322004.2, NM_001322005.2 and 1 more transcripts); c.1344C>T, p.Ser448= (NM_001322006.2); c.1182C>T, p.Ser394= (NM_001322007.2, NM_001322008.2); c.939C>T, p.Ser313= (NM_001322010.2); c.567C>T, p.Ser189= (NM_001322011.2, NM_001322012.2); c.927C>T, p.Ser309= (NM_001322013.2); c.1500C>T, p.Ser500= (NM_001322014.2); c.1191C>T, p.Ser397= (NM_001322015.2).
Identifiers: ClinVar variation 187541 (VCV000187541.25), dbSNP rs116094787, ClinGen allele CA009780.

ClinVar aggregate classification (germline): Benign/Likely benign. Review status: criteria provided, multiple submitters, no conflicts (2 of 4 stars). 11 submissions from 11 submitters: Benign (1); Likely benign (10). Last evaluated 2026-01-21.

Conditions:
Hereditary nonpolyposis colorectal neoplasms. Identifiers: MedGen C0009405, MeSH D003123.
Hereditary cancer-predisposing syndrome. Also called: Tumor predisposition; Neoplastic Syndromes, Hereditary; Hereditary neoplastic syndrome; Hereditary Cancer Syndrome. Identifiers: Orphanet 140162, MedGen C0027672, MeSH D009386, MONDO:0015356.
Breast and/or ovarian cancer. Identifiers: MedGen CN221562.
Lynch syndrome. Identifiers: Orphanet 144, MedGen C4552100, MONDO:0005835. Disease mechanism: loss of function.
Lynch syndrome 4 (LYNCH4). Also called: Colorectal cancer, hereditary nonpolyposis, type 4; Hereditary non-polyposis colorectal cancer, type 4. Identifiers: Orphanet 144, MedGen C1838333, MONDO:0013699, OMIM 614337. Disease mechanism: loss of function.

Allele frequency attached by ClinVar (database versions not stated): ExAC 0.00001; gnomAD exomes 0.00003; gnomAD 0.00006 and 0.00007; ESP Exome Variant Server 0.00008; TOPMed 0.00008; 1000 Genomes Project 30x 0.00016; 1000 Genomes Project 0.00020.

Submissions (11):

Labcorp Genetics (formerly Invitae), Labcorp
Classification: Likely benign for Hereditary nonpolyposis colorectal neoplasms. Last evaluated: 2026-01-21. Review status: criteria provided, single submitter. Criteria: Invitae Variant Classification Sherloc (09022015). Collection method: clinical testing. Allele origin: germline.

Myriad Genetics, Inc.
Classification: Benign for Lynch syndrome 4. Last evaluated: 2025-01-30. Review status: criteria provided, single submitter. Criteria: Myriad Autosomal Dominant, Autosomal Recessive and X-Linked Classification Criteria (2023). Collection method: clinical testing. Allele origin: unknown.
Comment: This variant is considered benign. This variant is a silent/synonymous amino acid change and it is not expected to impact splicing.

Blueprint Genetics
Classification: Likely benign. Last evaluated: 2024-10-17. Review status: criteria provided, single submitter. Criteria: ACMG Guidelines, 2015. Collection method: clinical testing. Allele origin: germline.

All of Us Research Program, National Institutes of Health
Classification: Likely benign for Lynch syndrome. Last evaluated: 2024-01-11. Review status: criteria provided, single submitter. Criteria: ACMG Guidelines, 2015. Collection method: clinical testing. Allele origin: germline. Inheritance: Autosomal dominant inheritance. Observed: 15 variant alleles, 15 heterozygotes.
Comment: This study involves interpretation of variants in research participants for the purpose of population health screening. Participant phenotype was not available at the time of variant classification. Additional details can be found in publication PMID: 35346344, PMCID: PMC8962531

Women's Health and Genetics/Laboratory Corporation of America, LabCorp
Classification: Likely benign. Last evaluated: 2022-08-28. Review status: criteria provided, single submitter. Criteria: LabCorp Variant Classification Summary - May 2015. Collection method: clinical testing. Allele origin: germline.

CHEO Genetics Diagnostic Laboratory, Children's Hospital of Eastern Ontario
Classification: Likely benign for Breast and/or ovarian cancer. Last evaluated: 2022-05-31. Review status: criteria provided, single submitter. Criteria: ACMG Guidelines, 2015. Collection method: clinical testing. Allele origin: germline.

Department of Pathology and Laboratory Medicine, Sinai Health System
Classification: Likely benign for Lynch syndrome 4. Last evaluated: 2022-05-27. Review status: criteria provided, single submitter. Criteria: ACMG Guidelines, 2015. Collection method: clinical testing. Allele origin: germline. Affected: yes.

Sema4
Classification: Likely benign for Hereditary cancer-predisposing syndrome. Last evaluated: 2022-01-02. Review status: criteria provided, single submitter. Criteria: Sema4 Curation Guidelines. Collection method: curation. Allele origin: germline.

GeneDx
Classification: Likely benign. Last evaluated: 2018-01-30. Review status: criteria provided, single submitter. Criteria: GeneDx Variant Classification (06012015). Collection method: clinical testing. Allele origin: germline. Affected: yes.
Comment: This variant is considered likely benign or benign based on one or more of the following criteria: it is a conservative change, it occurs at a poorly conserved position in the protein, it is predicted to be benign by multiple in silico algorithms, and/or has population frequency not consistent with disease.

Color Diagnostics, LLC DBA Color Health
Classification: Likely benign for Hereditary cancer-predisposing syndrome. Last evaluated: 2015-12-28. Review status: criteria provided, single submitter. Criteria: ACMG Guidelines, 2015. Collection method: clinical testing. Allele origin: germline.

Ambry Genetics
Classification: Likely benign for Hereditary cancer-predisposing syndrome. Last evaluated: 2014-12-19. Review status: criteria provided, single submitter. Criteria: Ambry Variant Classification Scheme 2023. Collection method: clinical testing. Allele origin: germline.